The following is an entry in ClinVar:

ClinVar aggregate classification (germline): Benign/Likely benign. Review status: criteria provided, multiple submitters, no conflicts (2 of 4 stars). 15 submissions from 15 submitters: Benign (9); Likely benign (2). 4 of the submissions do not count toward it. Last evaluated 2026-02-03.

Conditions:
Dystrophin deficiency.
Becker muscular dystrophy (BMD). Also called: MUSCULAR DYSTROPHY, PSEUDOHYPERTROPHIC PROGRESSIVE, BECKER TYPE; Becker Muscular Dystrophy (BMD). Identifiers: Orphanet 98895, MedGen C0917713, MONDO:0010311, OMIM 300376.
Cardiomyopathy (CMYO). Also called: Cardiomyopathies. Identifiers: Orphanet 167848, MedGen C0878544, MONDO:0004994, HP:0001638. Inheritance: Various modes of inheritance.
Duchenne muscular dystrophy (DMD). Also called: Duchenne Muscular Dystrophy (DMD); MUSCULAR DYSTROPHY, PSEUDOHYPERTROPHIC PROGRESSIVE, DUCHENNE TYPE. Identifiers: Orphanet 98896, MedGen C0013264, MONDO:0010679, OMIM 310200.
Dilated cardiomyopathy 3B (CMD3B). Also called: CMD3B: DMD-Related Dilated Cardiomyopathy; CARDIOMYOPATHY, DILATED, X-LINKED; DMD-Associated Dilated Cardiomyopathy. Identifiers: Orphanet 154, MedGen C3668940, MONDO:0010542, OMIM 302045.

Allele frequency attached by ClinVar (database versions not stated): gnomAD exomes 0.00204; gnomAD 0.00686 and 0.00743; 1000 Genomes Project 30x 0.00708; 1000 Genomes Project 0.00715; ESP Exome Variant Server 0.00569; TOPMed 0.00765; ExAC 0.00235.
gnomAD v4.1: 1,450 of 1,158,149 alleles (0.13%); highest among the groups gnomAD compares: African/African-American, 2.3%; 22 homozygotes.

Submissions (15):

Labcorp Genetics (formerly Invitae), Labcorp
Classification: Benign for Duchenne muscular dystrophy. Last evaluated: 2026-02-03. Review status: criteria provided, single submitter. Criteria: Invitae Variant Classification Sherloc (09022015). Collection method: clinical testing. Allele origin: germline.

Women's Health and Genetics/Laboratory Corporation of America, LabCorp
Classification: Benign. Last evaluated: 2025-06-12. Review status: criteria provided, single submitter. Criteria: LabCorp Variant Classification Summary - May 2015. Collection method: clinical testing. Allele origin: germline.

Molecular Diagnostic Laboratory for Inherited Cardiovascular Disease, Montreal Heart Institute
Classification: Benign. Last evaluated: 2025-04-09. Review status: criteria provided, single submitter. Criteria: ACMG Guidelines, 2015. Collection method: clinical testing. Allele origin: germline. Affected: no.

Athena Diagnostics
Classification: Benign. Last evaluated: 2025-02-21. Review status: criteria provided, single submitter. Criteria: Athena Diagnostics Criteria. Collection method: clinical testing. Allele origin: unknown.
Comment: The frequency of this variant in the general population is higher than would generally be expected for pathogenic variants in this gene.

Blueprint Genetics
Classification: Likely benign. Last evaluated: 2024-11-27. Review status: criteria provided, single submitter. Criteria: ACMG Guidelines, 2015. Collection method: clinical testing. Allele origin: germline.

Mayo Clinic Laboratories, Mayo Clinic
Classification: Benign. Last evaluated: 2023-10-30. Review status: criteria provided, single submitter. Criteria: ACMG Guidelines, 2015. Collection method: clinical testing. Allele origin: germline. Observed: 9 variant alleles.
Comment: BS1, BS2, BP4, BP7

Fulgent Genetics
Classification: Likely benign for Becker muscular dystrophy; Dilated cardiomyopathy 3B; Duchenne muscular dystrophy. Last evaluated: 2021-10-25. Review status: criteria provided, single submitter. Criteria: ACMG Guidelines, 2015. Collection method: clinical testing. Allele origin: unknown.

Illumina Laboratory Services, Illumina
Classification: Benign for Dilated cardiomyopathy 3B. Last evaluated: 2018-01-12. Review status: criteria provided, single submitter. Criteria: ICSL Variant Classification Criteria 13 December 2019. Collection method: clinical testing. Allele origin: germline.
Comment: This variant was observed in the ICSL laboratory as part of a predisposition screen in an ostensibly healthy population. It had not been previously curated by ICSL or reported in the Human Gene Mutation Database (HGMD: prior to June 1st, 2018), and was therefore a candidate for classification through an automated scoring system. Utilizing variant allele frequency, disease prevalence and penetrance estimates, and inheritance mode, an automated score was calculated to assess if this variant is too frequent to cause the disease. Based on the score and internal cut-off values, a variant classified as benign is not then subjected to further curation. The score for this variant resulted in a classification of benign for this disease.

ARUP Laboratories, Molecular Genetics and Genomics, ARUP Laboratories
Classification: Benign. Last evaluated: 2017-01-30. Review status: criteria provided, single submitter. Criteria: ARUP Molecular Germline Variant Investigation Process. Collection method: clinical testing. Allele origin: germline.

GeneDx
Classification: Benign. Last evaluated: 2014-08-27. Review status: criteria provided, single submitter. Criteria: GeneDx Variant Classification (06012015). Collection method: clinical testing. Allele origin: germline. Affected: yes.
Comment: This variant is considered likely benign or benign based on one or more of the following criteria: it is a conservative change, it occurs at a poorly conserved position in the protein, it is predicted to be benign by multiple in silico algorithms, and/or has population frequency not consistent with disease.

Eurofins Ntd Llc (ga)
Classification: Benign. Last evaluated: 2012-09-21. Review status: criteria provided, single submitter. Criteria: EGL Classification Definitions 2015. Collection method: clinical testing. Allele origin: germline. Observed: 9 variant alleles, 3 heterozygotes, 6 hemizygotes.

Natera, Inc.
Classification: Likely benign for Becker muscular dystrophy; Cardiomyopathy; Duchenne muscular dystrophy; Dystrophin deficiency. Last evaluated: 2017-08-10. Review status: no assertion criteria provided. Collection method: clinical testing. Allele origin: germline. Not counted in ClinVar's aggregate classification.

Clinical Genetics DNA and cytogenetics Diagnostics Lab, Erasmus MC, Erasmus Medical Center
Classification: Benign. Review status: no assertion criteria provided. Collection method: clinical testing. Allele origin: germline. Affected: yes. Study: VKGL Data-share Consensus. Not counted in ClinVar's aggregate classification.

Diagnostic Laboratory, Department of Genetics, University Medical Center Groningen
Classification: Likely benign. Review status: no assertion criteria provided. Collection method: clinical testing. Allele origin: germline. Affected: yes. Study: VKGL Data-share Consensus. Not counted in ClinVar's aggregate classification.

Laboratory of Diagnostic Genome Analysis, Leiden University Medical Center (LUMC)
Classification: Benign. Review status: no assertion criteria provided. Collection method: clinical testing. Allele origin: germline. Affected: yes. Study: VKGL Data-share Consensus. Not counted in ClinVar's aggregate classification.

NM_004006.3(DMD):c.3603+8A>G

Gene: DMD (dystrophin; minus strand). Cytogenetic location: Xp21.1.
Variant type: single nucleotide variant.
Coding change: c.3603+8A>G on transcript NM_004006.3 (MANE Select); 8 bases into the intron after coding-DNA position 3603, A replaced by G.
Molecular consequence: intron variant.
Genome position (GRCh38, 1-based): chrX:32,454,654, T>C on the plus strand (A>G on the coding strand, the complement: DMD is on the minus strand). VCF-style: chrX-32454654-T-C. GRCh37 (hg19) VCF-style: chrX-32472771-T-C.
Other names: p.?; c.3579+8A>G (NM_000109.4); c.3591+8A>G (NM_004009.3); c.3234+8A>G (NM_004010.3).
Identifiers: ClinVar variation 94600 (VCV000094600.69), dbSNP rs193249735, ClinGen allele CA285558.
Genomic context (GRCh38, chrX:32,454,654, plus strand): 5'-TTGTTGCATTTCTTTCTTTTTCCATTTATTTCCTTTGTTTTACTTAGTTTTTCTTTTTTT[T>C]TTTTTACCTTCATCTCTTCAACTGCTTTCTGTAATTCATCTGGAGTTTTATATTCAAAAT-3'